The following is an entry in ClinVar:

NM_007208.4(MRPL3):c.950C>G (p.Pro317Arg)

Gene: MRPL3 (mitochondrial ribosomal protein L3; minus strand). Cytogenetic location: 3q22.1.
Variant type: single nucleotide variant.
Coding change: c.950C>G on transcript NM_007208.4 (MANE Select); coding-DNA position 950, C replaced by G.
Protein change: p.Pro317Arg; replaces proline 317 with arginine.
Molecular consequence: missense variant.
Genome position (GRCh38, 1-based): chr3:131,462,820, G>C on the plus strand (C>G on the coding strand, the complement: MRPL3 is on the minus strand). VCF-style: chr3-131462820-G-C. GRCh37 (hg19) VCF-style: chr3-131181664-G-C.
Other names: short protein forms P317R.
Identifiers: ClinVar variation 30643 (VCV000030643.4), dbSNP rs387906962, ClinGen allele CA129386.

ClinVar aggregate classification (germline): Likely pathogenic. Review status: criteria provided, single submitter (1 of 4 stars). 2 submissions from 2 submitters: Likely pathogenic (1). 1 of the submissions does not count toward it. Last evaluated 2019-12-27.

Conditions:
Combined oxidative phosphorylation defect type 9. Identifiers: Orphanet 319509, MedGen C4706315, MONDO:0013811, OMIM 614582.

Allele frequency attached by ClinVar (database versions not stated): gnomAD exomes 0.00001; TOPMed 0.00001; gnomAD 0.00001.
gnomAD v4.1: 13 of 1,612,240 alleles (0.00081%); highest among the groups gnomAD compares: Non-Finnish European, 0.0011%; no homozygotes.

Submissions (2):

GeneDx
Classification: Likely pathogenic. Last evaluated: 2019-12-27. Review status: criteria provided, single submitter. Criteria: GeneDx Variant Classification Process June 2021. Collection method: clinical testing. Allele origin: germline. Affected: yes.
Comment: Not observed at a significant frequency in large population cohorts (Lek et al., 2016); In silico analysis, which includes protein predictors and evolutionary conservation, supports a deleterious effect; This variant is associated with the following publications: (PMID: 27815843, 21786366)

OMIM
Classification: Pathogenic for COMBINED OXIDATIVE PHOSPHORYLATION DEFICIENCY 9. Last evaluated: 2011-11-01. Review status: no assertion criteria provided. Collection method: literature only. Allele origin: germline. Not counted in ClinVar's aggregate classification.

Literature cited by the submitters: PubMed 21786366 (cited by OMIM); PubMed 27815843 (cited by OMIM).